The following is an entry in ClinVar:

NM_000548.5(TSC2):c.3701C>T (p.Ala1234Val)

Gene: TSC2 (TSC complex subunit 2; plus strand). Cytogenetic location: 16p13.3.
Variant type: single nucleotide variant.
Coding change: c.3701C>T on transcript NM_000548.5 (MANE Select); coding-DNA position 3701, C replaced by T.
Protein change: p.Ala1234Val; replaces alanine 1234 with valine.
Molecular consequence: missense variant. On other transcripts: non-coding transcript variant (5).
Genome position (GRCh38, 1-based): chr16:2,081,685, C>T. VCF-style: chr16-2081685-C-T. GRCh37 (hg19) VCF-style: chr16-2131686-C-T.
Other names: c.2969C>T, p.Ala990Val (NM_001318831.2, NM_001406687.1, NM_001406688.1); c.3602C>T, p.Ala1201Val (NM_001318832.2); c.3572C>T, p.Ala1191Val (NM_001363528.2, NM_001370405.1, NM_021055.3); c.3569C>T, p.Ala1190Val (NM_001370404.1, NM_001406665.1, NM_001077183.3); c.3698C>T, p.Ala1233Val (NM_001406663.1, NM_001406664.1); c.3662C>T, p.Ala1221Val (NM_001406667.1); c.3659C>T, p.Ala1220Val (NM_001406668.1); c.3590C>T, p.Ala1197Val (NM_001406670.1); and 18 more; short protein forms A1141V, A1142V, A1184V, A1185V, A1190V, A1197V, A1221V, A1233V.
Identifiers: ClinVar variation 2704890 (VCV002704890.3), dbSNP rs1596400191, ClinGen allele CA394292570.
Genomic context (GRCh38, chr16:2,081,685, plus strand): 5'-ACCCGCTCAGCCCTTTCTCCTCGGACATCAACAACATGCCCCTGCAGGAGCTGTCTAACG[C>T]CCTCATGGCGGCTGAGCGCTTCAAGGAGCACCGGGACACAGCCCTGTACAAGTCACTGTC-3'
Protein context (NP_000539.2, residues 1224-1244): NNMPLQELSN[Ala1234Val]LMAAERFKEH

ClinVar aggregate classification (germline): Uncertain significance (1 of 4 stars; one submission).

Conditions:
Tuberous sclerosis 2 (TSC2). Identifiers: Orphanet 805, MedGen C1860707, MONDO:0013199, OMIM 613254.

Submission:

Labcorp Genetics (formerly Invitae), Labcorp
Classification: Uncertain significance for Tuberous sclerosis 2. Last evaluated: 2024-08-11. Review status: criteria provided, single submitter. Criteria: Invitae Variant Classification Sherloc (09022015). Collection method: clinical testing. Allele origin: germline.
Comment: This sequence change replaces alanine, which is neutral and non-polar, with valine, which is neutral and non-polar, at codon 1234 of the TSC2 protein (p.Ala1234Val). This variant is not present in population databases (gnomAD no frequency). This variant has not been reported in the literature in individuals affected with TSC2-related conditions. Advanced modeling of protein sequence and biophysical properties (such as structural, functional, and spatial information, amino acid conservation, physicochemical variation, residue mobility, and thermodynamic stability) performed at Invitae indicates that this missense variant is not expected to disrupt TSC2 protein function with a negative predictive value of 95%. In summary, the available evidence is currently insufficient to determine the role of this variant in disease. Therefore, it has been classified as a Variant of Uncertain Significance.